The following is an entry in ClinVar:

NM_000245.4(MET):c.92C>A (p.Ala31Glu)

Gene: MET (MET proto-oncogene, receptor tyrosine kinase; plus strand). Cytogenetic location: 7q31.2.
Variant type: single nucleotide variant.
Coding change: c.92C>A on transcript NM_000245.4 (MANE Select); coding-DNA position 92, C replaced by A.
Protein change: p.Ala31Glu; replaces alanine 31 with glutamic acid.
Molecular consequence: missense variant. On other transcripts: intron variant (1).
Genome position (GRCh38, 1-based): chr7:116,699,176, C>A. VCF-style: chr7-116699176-C-A. GRCh37 (hg19) VCF-style: chr7-116339230-C-A.
Other names: c.92C>A, p.Ala31Glu (NM_001127500.3, NM_001324401.3); c.-91+26599C>A (NM_001324402.2); short protein forms A31E.
Identifiers: ClinVar variation 4843770 (VCV004843770.1).

ClinVar aggregate classification (germline): Uncertain significance (1 of 4 stars; one submission).

Conditions:
Hereditary cancer-predisposing syndrome. Also called: Neoplastic Syndromes, Hereditary; Tumor predisposition; Hereditary Cancer Syndrome; Hereditary neoplastic syndrome. Identifiers: Orphanet 140162, MedGen C0027672, MeSH D009386, MONDO:0015356.

gnomAD v4.1: 1 of 1,613,938 alleles (0.000062%); highest among the groups gnomAD compares: Non-Finnish European, 0.000085%; no homozygotes.

Submission:

Ambry Genetics
Classification: Uncertain significance for Hereditary cancer-predisposing syndrome. Last evaluated: 2026-01-11. Review status: criteria provided, single submitter. Criteria: Ambry Variant Classification Scheme 2023. Collection method: clinical testing. Allele origin: germline.
Comment: The p.A31E variant (also known as c.92C>A), located in coding exon 1 of the MET gene, results from a C to A substitution at nucleotide position 92. The alanine at codon 31 is replaced by glutamic acid, an amino acid with dissimilar properties. This amino acid position is conserved. In addition, this alteration is predicted to be tolerated by in silico analysis. Based on the available evidence, the clinical significance of this variant remains unclear.